The following is an entry in ClinVar:

ClinVar aggregate classification (germline): Uncertain significance (1 of 4 stars; one submission).

Conditions:
Autoimmune interstitial lung disease-arthritis syndrome. Also called: Autoinflammation and autoimmunity, systemic, with immune dysregulation. Identifiers: Orphanet 444092, MedGen C5975714, MONDO:0014629.

gnomAD v4.1: 5 of 1,613,992 alleles (0.00031%); highest among the groups gnomAD compares: Admixed American, 0.0083%; no homozygotes.

Submission:

Labcorp Genetics (formerly Invitae), Labcorp
Classification: Uncertain significance for Autoimmune interstitial lung disease-arthritis syndrome. Last evaluated: 2025-04-11. Review status: criteria provided, single submitter. Criteria: Invitae Variant Classification Sherloc (09022015). Collection method: clinical testing. Allele origin: germline.
Comment: This sequence change replaces isoleucine, which is neutral and non-polar, with valine, which is neutral and non-polar, at codon 1084 of the COPA protein (p.Ile1084Val). This variant is present in population databases (no rsID available, gnomAD 0.009%). This variant has not been reported in the literature in individuals affected with COPA-related conditions. Invitae Evidence Modeling of protein sequence and biophysical properties (such as structural, functional, and spatial information, amino acid conservation, physicochemical variation, residue mobility, and thermodynamic stability) indicates that this missense variant is not expected to disrupt COPA protein function with a negative predictive value of 80%. In summary, the available evidence is currently insufficient to determine the role of this variant in disease. Therefore, it has been classified as a Variant of Uncertain Significance.

NM_004371.4(COPA):c.3250A>G (p.Ile1084Val)

Gene: COPA (coat protein complex I subunit alpha; minus strand). Cytogenetic location: 1q23.2.
Variant type: single nucleotide variant.
Coding change: c.3250A>G on transcript NM_004371.4 (MANE Select); coding-DNA position 3250, A replaced by G.
Protein change: p.Ile1084Val; replaces isoleucine 1084 with valine.
Molecular consequence: missense variant.
Genome position (GRCh38, 1-based): chr1:160,291,827, T>C on the plus strand (A>G on the coding strand, the complement: COPA is on the minus strand). VCF-style: chr1-160291827-T-C. GRCh37 (hg19) VCF-style: chr1-160261617-T-C.
Other names: c.3277A>G, p.Ile1093Val (NM_001098398.2); short protein forms I1084V, I1093V.
Identifiers: ClinVar variation 4693533 (VCV004693533.1).